The following is an entry in ClinVar:

ClinVar aggregate classification (germline): Conflicting classifications of pathogenicity. Review status: criteria provided, conflicting classifications (1 of 4 stars). 2 submissions from 2 submitters: Likely pathogenic (1); Uncertain significance (1). Last evaluated 2025-07-10.

Conditions:
Landau-Kleffner syndrome (FESD). Also called: APHASIA, ACQUIRED, WITH EPILEPSY; EPILEPSY, FOCAL, WITH SPEECH DISORDER AND WITH OR WITHOUT MENTAL RETARDATION. Identifiers: Orphanet 1945, Orphanet 725, Orphanet 98818, MedGen C0282512, MONDO:0009509, OMIM 245570.

Submissions (2):

GeneDx
Classification: Likely pathogenic. Last evaluated: 2025-07-10. Review status: criteria provided, single submitter. Criteria: GeneDx Variant Classification Process June 2021. Collection method: clinical testing. Allele origin: germline.
Comment: Not observed at significant frequency in large population cohorts (gnomAD); In silico analysis supports that this missense variant has a deleterious effect on protein structure/function; Has not been previously published as pathogenic or benign to our knowledge; This variant is associated with the following publications: (PMID: 27839871)

Labcorp Genetics (formerly Invitae), Labcorp
Classification: Uncertain significance for Landau-Kleffner syndrome. Last evaluated: 2023-04-07. Review status: criteria provided, single submitter. Criteria: Invitae Variant Classification Sherloc (09022015). Collection method: clinical testing. Allele origin: germline.
Comment: In summary, the available evidence is currently insufficient to determine the role of this variant in disease. Therefore, it has been classified as a Variant of Uncertain Significance. Advanced modeling of protein sequence and biophysical properties (such as structural, functional, and spatial information, amino acid conservation, physicochemical variation, residue mobility, and thermodynamic stability) has been performed at Invitae for this missense variant, however the output from this modeling did not meet the statistical confidence thresholds required to predict the impact of this variant on GRIN2A protein function. ClinVar contains an entry for this variant (Variation ID: 858348). This variant has not been reported in the literature in individuals affected with GRIN2A-related conditions. This variant is not present in population databases (gnomAD no frequency). This sequence change replaces glutamic acid, which is acidic and polar, with aspartic acid, which is acidic and polar, at codon 517 of the GRIN2A protein (p.Glu517Asp).

NM_001134407.3(GRIN2A):c.1551A>C (p.Glu517Asp)

Gene: GRIN2A (glutamate ionotropic receptor NMDA type subunit 2A; minus strand). Cytogenetic location: 16p13.2.
Variant type: single nucleotide variant.
Coding change: c.1551A>C on transcript NM_001134407.3 (MANE Select); coding-DNA position 1551, A replaced by C.
Protein change: p.Glu517Asp; replaces glutamic acid 517 with aspartic acid.
Molecular consequence: missense variant.
Genome position (GRCh38, 1-based): chr16:9,840,747, T>G on the plus strand (A>C on the coding strand, the complement: GRIN2A is on the minus strand). VCF-style: chr16-9840747-T-G. GRCh37 (hg19) VCF-style: chr16-9934604-T-G.
Other names: c.1551A>C (NM_000833.3); c.1551A>C, p.Glu517Asp (NM_000833.5, NM_001134408.2); short protein forms E517D.
Identifiers: ClinVar variation 858348 (VCV000858348.13), dbSNP rs2042659440, ClinGen allele CA394800387.